The following is an entry in ClinVar:

NM_001082538.3(TCTN1):c.8C>T (p.Pro3Leu)

Gene: TCTN1 (tectonic family member 1; plus strand). Cytogenetic location: 12q24.11.
Variant type: single nucleotide variant.
Coding change: c.8C>T on transcript NM_001082538.3 (MANE Select); coding-DNA position 8, C replaced by T.
Protein change: p.Pro3Leu; replaces proline 3 with leucine.
Molecular consequence: missense variant. On other transcripts: 5 prime UTR variant (4), non-coding transcript variant (1).
Genome position (GRCh38, 1-based): chr12:110,614,190, C>T. VCF-style: chr12-110614190-C-T. GRCh37 (hg19) VCF-style: chr12-111051995-C-T.
Other names: c.8C>T, p.Pro3Leu (NM_001082537.3, NM_001319680.2, NM_024549.6); c.-222C>T (NM_001173975.3, NM_001319682.3); c.-249C>T (NM_001173976.2); c.-700C>T (NM_001319681.2); short protein forms P3L.
Identifiers: ClinVar variation 1436254 (VCV001436254.4), dbSNP rs772390489, ClinGen allele CA6786430.

ClinVar aggregate classification (germline): Uncertain significance. Review status: criteria provided, multiple submitters, no conflicts (2 of 4 stars). 2 submissions from 2 submitters: Uncertain significance (2). Last evaluated 2024-04-19.

Conditions:
Joubert syndrome 13 (JBTS13). Identifiers: Orphanet 475, MedGen C3280031, MONDO:0013608, OMIM 614173.
Joubert syndrome. Also called: CEREBELLOPARENCHYMAL DISORDER IV; JOUBERT-BOLTSHAUSER SYNDROME; Familial aplasia of the vermis. Identifiers: Orphanet 475, MedGen C5979921, MONDO:0018772.
Meckel-Gruber syndrome. Also called: DYSENCEPHALIA SPLANCHNOCYSTICA; GRUBER SYNDROME; Dysencephalia splachnocystica. Identifiers: Orphanet 564, MedGen C0265215, MONDO:0018921.

Allele frequency attached by ClinVar (database versions not stated): gnomAD 0.00005 and 0.00006; gnomAD exomes 0.00005 and 0.00010; TOPMed 0.00005; ExAC 0.00007.
gnomAD v4.1: 149 of 1,552,312 alleles (0.0096%); highest among the groups gnomAD compares: Non-Finnish European, 0.012%; no homozygotes.

Submissions (2):

Fulgent Genetics
Classification: Uncertain significance for Joubert syndrome 13. Last evaluated: 2024-04-19. Review status: criteria provided, single submitter. Criteria: ACMG Guidelines, 2015. Collection method: clinical testing. Allele origin: germline.

Labcorp Genetics (formerly Invitae), Labcorp
Classification: Uncertain significance for Joubert syndrome; Meckel-Gruber syndrome. Last evaluated: 2022-09-06. Review status: criteria provided, single submitter. Criteria: Invitae Variant Classification Sherloc (09022015). Collection method: clinical testing. Allele origin: germline.
Comment: This sequence change replaces proline, which is neutral and non-polar, with leucine, which is neutral and non-polar, at codon 3 of the TCTN1 protein (p.Pro3Leu). This variant is present in population databases (rs772390489, gnomAD 0.01%). This variant has not been reported in the literature in individuals affected with TCTN1-related conditions. ClinVar contains an entry for this variant (Variation ID: 1436254). Algorithms developed to predict the effect of missense changes on protein structure and function output the following: SIFT: "Tolerated"; PolyPhen-2: "Not Available"; Align-GVGD: "Class C0". The leucine amino acid residue is found in multiple mammalian species, which suggests that this missense change does not adversely affect protein function. In summary, the available evidence is currently insufficient to determine the role of this variant in disease. Therefore, it has been classified as a Variant of Uncertain Significance.